The following is an entry in ClinVar:

ClinVar aggregate classification (germline): Likely pathogenic (1 of 4 stars; one submission).

Conditions:
Tay-Sachs disease (TSD). Also called: GM2 gangliosidosis, type 1; Hexosaminidase alpha-subunit deficiency (variant B); Sphingolipidosis, Tay-Sachs; Hexosaminidase A Deficiency; HEXA DEFICIENCY; HEXA Disorders. Identifiers: Orphanet 845, MedGen C0039373, MONDO:0010100, OMIM 272800.

Submission:

Myriad Genetics, Inc.
Classification: Likely pathogenic for Tay-Sachs disease. Last evaluated: 2022-03-30. Review status: criteria provided, single submitter. Criteria: Myriad Women's Health Autosomal Recessive and X-Linked Classification Criteria (2021). Collection method: clinical testing. Allele origin: unknown.
Comment: NM_000520.4(HEXA):c.844G>T(E282*) is expected to be pathogenic in the context of hexosaminidase A deficiency. This variant is predicted to lead to an abnormal or absent protein product due to the creation of a premature termination codon in HEXA, a gene where loss-of-function variants are known to be pathogenic. Please note: this variant was assessed in the context of healthy population screening.

NM_000520.6(HEXA):c.844G>T (p.Glu282Ter)

Gene: HEXA (hexosaminidase subunit alpha; minus strand). Cytogenetic location: 15q23.
Variant type: single nucleotide variant.
Coding change: c.844G>T on transcript NM_000520.6 (MANE Select); coding-DNA position 844, G replaced by T.
Protein change: p.Glu282Ter; replaces glutamic acid 282 with a stop codon.
Molecular consequence: nonsense. On other transcripts: non-coding transcript variant (1).
Genome position (GRCh38, 1-based): chr15:72,349,221, C>A on the plus strand (G>T on the coding strand, the complement: HEXA is on the minus strand). VCF-style: chr15-72349221-C-A. GRCh37 (hg19) VCF-style: chr15-72641562-C-A.
Other names: c.877G>T, p.Glu293Ter (NM_001318825.2); short protein forms E282*, E293*.
Identifiers: ClinVar variation 1725549 (VCV001725549.2), dbSNP rs2542523032, ClinGen allele CA393062629.